The following is an entry in ClinVar:

ClinVar aggregate classification (germline): Uncertain significance (1 of 4 stars; one submission).

Allele frequency attached by ClinVar (database versions not stated): gnomAD exomes 0.00006 and 0.00019; gnomAD 0.00009; TOPMed 0.00015.

Submission:

Labcorp Genetics (formerly Invitae), Labcorp
Classification: Uncertain significance. Last evaluated: 2026-01-05. Review status: criteria provided, single submitter. Criteria: Invitae Variant Classification Sherloc (09022015). Collection method: clinical testing. Allele origin: germline.
Comment: This sequence change replaces leucine, which is neutral and non-polar, with proline, which is neutral and non-polar, at codon 70 of the PAX1 protein (p.Leu70Pro). This variant is present in population databases (no rsID available, gnomAD 0.02%). This missense change has been observed in individual(s) with clinical features of otofaciocervical syndrome (PMID: 37689091). ClinVar contains an entry for this variant (Variation ID: 1448652). Invitae Evidence Modeling of protein sequence and biophysical properties (such as structural, functional, and spatial information, amino acid conservation, physicochemical variation, residue mobility, and thermodynamic stability) indicates that this missense variant is not expected to disrupt PAX1 protein function with a negative predictive value of 80%. In summary, the available evidence is currently insufficient to determine the role of this variant in disease. Therefore, it has been classified as a Variant of Uncertain Significance.

Literature cited by the submitters: PubMed 37689091.

NM_001257096.2(PAX1):c.209T>C (p.Leu70Pro)

Gene: PAX1 (paired box 1; plus strand). Cytogenetic location: 20p11.22.
Variant type: single nucleotide variant.
Coding change: c.209T>C on transcript NM_001257096.2 (MANE Select); coding-DNA position 209, T replaced by C.
Protein change: p.Leu70Pro; replaces leucine 70 with proline.
Molecular consequence: missense variant.
Genome position (GRCh38, 1-based): chr20:21,705,921, T>C. VCF-style: chr20-21705921-T-C. GRCh37 (hg19) VCF-style: chr20-21686559-T-C.
Other names: c.209T>C, p.Leu70Pro (NM_006192.5); short protein forms L70P.
Identifiers: ClinVar variation 1448652 (VCV001448652.5), dbSNP rs940094103, ClinGen allele CA313027383.